The following is an entry in ClinVar:

ClinVar aggregate classification (germline): Uncertain significance (1 of 4 stars; one submission).

Conditions:
Familial intrahepatic cholestasis. Identifiers: Orphanet 284385, MedGen CN296401, MONDO:0017290.

Submission:

Genomenon, Inc
Classification: Uncertain significance for Familial intrahepatic cholestasis. Last evaluated: 2026-04-14. Review status: criteria provided, single submitter. Criteria: Genomenon Sequence Variant Interpretation Standards - Updated. Collection method: curation. Allele origin: germline. Affected: yes.
Comment: ABCB4 p.Thr175Lys (c.524C>A) is a missense variant that changes the amino acid at residue 175 from Threonine to Lysine. This variant has been observed in at least one proband with an ABCB4-related disorder (PMID:37701337). It is absent or not present at a significant frequency in gnomAD. In silico models predict that this variant is possibly or probably damaging. In conclusion, we classify ABCB4 p.Thr175Lys (c.524C>A) as a variant of uncertain significance.

Literature cited by the submitters: PubMed 37701337.

NM_000443.4(ABCB4):c.524C>A (p.Thr175Lys)

Gene: ABCB4 (ATP binding cassette subfamily B member 4; minus strand). Cytogenetic location: 7q21.12.
Variant type: single nucleotide variant.
Coding change: c.524C>A on transcript NM_000443.4 (MANE Select); coding-DNA position 524, C replaced by A.
Protein change: p.Thr175Lys; replaces threonine 175 with lysine.
Molecular consequence: missense variant.
Genome position (GRCh38, 1-based): chr7:87,452,956, G>T on the plus strand (C>A on the coding strand, the complement: ABCB4 is on the minus strand). VCF-style: chr7-87452956-G-T. GRCh37 (hg19) VCF-style: chr7-87082272-G-T.
Other names: c.524C>A, p.Thr175Lys (NM_018849.3, NM_018850.3); short protein forms T175K.
Identifiers: ClinVar variation 4846633 (VCV004846633.1).